The following is an entry in ClinVar:

ClinVar aggregate classification (germline): Uncertain significance (1 of 4 stars; one submission).

Conditions:
Inborn genetic diseases. Identifiers: MedGen C0950123, MeSH D030342.

Submission:

Ambry Genetics
Classification: Uncertain significance for Inborn genetic diseases. Last evaluated: 2026-04-24. Review status: criteria provided, single submitter. Criteria: Ambry Variant Classification Scheme 2023. Collection method: clinical testing. Allele origin: germline.
Comment: The p.T395I variant (also known as c.1184C>T), located in coding exon 9 of the DNMT3A gene, results from a C to T substitution at nucleotide position 1184. The threonine at codon 395 is replaced by isoleucine, an amino acid with similar properties. This amino acid position is conserved. In addition, the in silico prediction for this alteration is inconclusive. Based on the available evidence, the clinical significance of this variant remains unclear.

NM_022552.5(DNMT3A):c.1184C>T (p.Thr395Ile)

Gene: DNMT3A (DNA methyltransferase 3 alpha; minus strand). Cytogenetic location: 2p23.3.
Variant type: single nucleotide variant.
Coding change: c.1184C>T on transcript NM_022552.5 (MANE Select); coding-DNA position 1184, C replaced by T.
Protein change: p.Thr395Ile; replaces threonine 395 with isoleucine.
Molecular consequence: missense variant. On other transcripts: non-coding transcript variant (1).
Genome position (GRCh38, 1-based): chr2:25,246,715, G>A on the plus strand (C>T on the coding strand, the complement: DNMT3A is on the minus strand). VCF-style: chr2-25246715-G-A. GRCh37 (hg19) VCF-style: chr2-25469584-G-A.
Other names: c.728C>T, p.Thr243Ile (NM_001320893.1); c.515C>T, p.Thr172Ile (NM_001375819.1); c.617C>T, p.Thr206Ile (NM_153759.3); c.1184C>T, p.Thr395Ile (NM_175629.2); short protein forms T172I, T206I, T243I, T395I.
Identifiers: ClinVar variation 4870013 (VCV004870013.1).